The following is an entry in ClinVar:

ClinVar aggregate classification (germline): Uncertain significance. Review status: criteria provided, multiple submitters, no conflicts (2 of 4 stars). 3 submissions from 3 submitters: Uncertain significance (3). Last evaluated 2022-03-03.

Conditions:
Interstitial lung disease due to ABCA3 deficiency. Also called: PULMONARY ALVEOLAR PROTEINOSIS, CONGENITAL, 3. Identifiers: Orphanet 440402, MedGen C1970456, MONDO:0012582, OMIM 610921.
Respiratory failure. Identifiers: MedGen C1145670, MONDO:0021113, HP:0002878.

Allele frequency attached by ClinVar (database versions not stated): gnomAD exomes 0.00001 and 0.00002; ExAC 0.00002; TOPMed 0.00002; gnomAD 0.00003 and 0.00005.
gnomAD v4.1: 44 of 1,614,060 alleles (0.0027%); highest among the groups gnomAD compares: South Asian, 0.0055%; no homozygotes.

Submissions (3):

Fulgent Genetics
Classification: Uncertain significance for Interstitial lung disease due to ABCA3 deficiency. Last evaluated: 2022-03-03. Review status: criteria provided, single submitter. Criteria: ACMG Guidelines, 2015. Collection method: clinical testing. Allele origin: unknown.

Illumina Laboratory Services, Illumina
Classification: Uncertain significance for Interstitial lung disease due to ABCA3 deficiency. Last evaluated: 2018-01-12. Review status: criteria provided, single submitter. Criteria: ICSL Variant Classification Criteria 13 December 2019. Collection method: clinical testing. Allele origin: germline.

Seattle Children's Hospital Molecular Genetics Laboratory, Seattle Children's Hospital
Classification: Uncertain significance for Respiratory failure. Review status: criteria provided, single submitter. Criteria: ACMG Guidelines, 2015. Collection method: clinical testing. Allele origin: unknown. Affected: yes. Observed: 1 heterozygote.
Comment: The p.Asp446Asn substitutes the aspartic acid at residue 446 with asparagine. The majority of in silico tools predict that this variant is tolerated and the aspartic acid at this position is not conserved across species. This missense variant has been documented in a large database of presumably healthy individuals (observed in 5 of 282,558 alleles in the Genome Aggregation Database, v2.1.1). This missense variant has not been reported as a pathogenic change in the literature.

NM_001089.3(ABCA3):c.1336G>A (p.Asp446Asn)

Gene: ABCA3 (ATP binding cassette subfamily A member 3; minus strand). Cytogenetic location: 16p13.3.
Variant type: single nucleotide variant.
Coding change: c.1336G>A on transcript NM_001089.3 (MANE Select); coding-DNA position 1336, G replaced by A.
Protein change: p.Asp446Asn; replaces aspartic acid 446 with asparagine.
Molecular consequence: missense variant.
Genome position (GRCh38, 1-based): chr16:2,304,100, C>T on the plus strand (G>A on the coding strand, the complement: ABCA3 is on the minus strand). VCF-style: chr16-2304100-C-T. GRCh37 (hg19) VCF-style: chr16-2354101-C-T.
Other names: short protein forms D446N.
Identifiers: ClinVar variation 318546 (VCV000318546.7), dbSNP rs200803298, ClinGen allele CA7841267.